The following is an entry in ClinVar:

ClinVar aggregate classification (germline): Uncertain significance (1 of 4 stars; one submission).

Submission:

GeneDx
Classification: Uncertain significance. Last evaluated: 2026-02-02. Review status: criteria provided, single submitter. Criteria: GeneDx Variant Classification Process June 2021. Collection method: clinical testing. Allele origin: germline.
Comment: Not observed at significant frequency in large population cohorts (gnomAD); In silico analysis suggests that this missense variant does not alter protein structure/function; Has not been previously published as pathogenic or benign to our knowledge

NM_005826.5(HNRNPR):c.1543C>G (p.Pro515Ala)

Gene: HNRNPR (heterogeneous nuclear ribonucleoprotein R; minus strand). Cytogenetic location: 1p36.12.
Variant type: single nucleotide variant.
Coding change: c.1543C>G on transcript NM_005826.5 (MANE Select); coding-DNA position 1543, C replaced by G.
Protein change: p.Pro515Ala; replaces proline 515 with alanine.
Molecular consequence: missense variant.
Genome position (GRCh38, 1-based): chr1:23,310,813, G>C on the plus strand (C>G on the coding strand, the complement: HNRNPR is on the minus strand). VCF-style: chr1-23310813-G-C. GRCh37 (hg19) VCF-style: chr1-23637306-G-C.
Other names: c.1240C>G, p.Pro414Ala (NM_001102397.3); c.1552C>G, p.Pro518Ala (NM_001102398.3); c.1249C>G, p.Pro417Ala (NM_001102399.3); c.1429C>G, p.Pro477Ala (NM_001297620.2); c.1063C>G, p.Pro355Ala (NM_001297621.2); c.1126C>G, p.Pro376Ala (NM_001297622.2); c.1366C>G, p.Pro456Ala (NM_001437727.1); c.1543C>G, p.Pro515Ala (NM_001438564.1); short protein forms P355A, P376A, P414A, P417A, P456A, P477A, P515A, P518A.
Identifiers: ClinVar variation 4976069 (VCV004976069.1).